The following is an entry in ClinVar:

NM_004820.5(CYP7B1):c.653A>G (p.Lys218Arg)

Gene: CYP7B1 (cytochrome P450 family 7 subfamily B member 1; minus strand). Cytogenetic location: 8q12.3.
Variant type: single nucleotide variant.
Coding change: c.653A>G on transcript NM_004820.5 (MANE Select); coding-DNA position 653, A replaced by G.
Protein change: p.Lys218Arg; replaces lysine 218 with arginine.
Molecular consequence: missense variant.
Genome position (GRCh38, 1-based): chr8:64,615,888, T>C on the plus strand (A>G on the coding strand, the complement: CYP7B1 is on the minus strand). VCF-style: chr8-64615888-T-C. GRCh37 (hg19) VCF-style: chr8-65528445-T-C.
Other names: c.653A>G, p.Lys218Arg (NM_001324112.2); short protein forms K218R.
Identifiers: ClinVar variation 1447276 (VCV001447276.6), dbSNP rs2129630203, ClinGen allele CA371335268.

ClinVar aggregate classification (germline): Uncertain significance (1 of 4 stars; one submission).

Conditions:
Spastic paraplegia. Identifiers: MedGen C0037772, HP:0001258.

Submission:

Labcorp Genetics (formerly Invitae), Labcorp
Classification: Uncertain significance for Spastic paraplegia. Last evaluated: 2022-01-27. Review status: criteria provided, single submitter. Criteria: Invitae Variant Classification Sherloc (09022015). Collection method: clinical testing. Allele origin: germline.
Comment: In summary, the available evidence is currently insufficient to determine the role of this variant in disease. Therefore, it has been classified as a Variant of Uncertain Significance. Algorithms developed to predict the effect of missense changes on protein structure and function are either unavailable or do not agree on the potential impact of this missense change (SIFT: "Tolerated"; PolyPhen-2: "Probably Damaging"; Align-GVGD: "Class C0"). This variant has not been reported in the literature in individuals affected with CYP7B1-related conditions. This variant is not present in population databases (gnomAD no frequency). This sequence change replaces lysine, which is basic and polar, with arginine, which is basic and polar, at codon 218 of the CYP7B1 protein (p.Lys218Arg).